The following is an entry in ClinVar:

NM_004172.5(SLC1A3):c.*174del

Genes: SLC1A3 (solute carrier family 1 member 3; plus strand), SLC1A3-AS1 (SLC1A3 antisense RNA 1; minus strand). Cytogenetic location: 5p13.2.
Variant type: Deletion.
Coding change: c.*174del on transcript NM_004172.5 (MANE Select); 174 bases downstream of the stop codon, one base deleted (G; older notation c.*174delG).
Molecular consequence: 3 prime UTR variant.
Genome position (GRCh38, 1-based): chr5:36,686,443, G deleted. VCF-style (leftmost placement, unchanged base first): chr5-36686442-AG-A. GRCh37 (hg19) VCF-style: chr5-36686544-AG-A.
Other names: c.*174del (NM_001166695.3, NM_001289939.2, NM_001289940.2).
Identifiers: ClinVar variation 353329 (VCV000353329.32), dbSNP rs538321546, ClinGen allele CA10624403.

ClinVar aggregate classification (germline): Likely benign (1 of 4 stars; one submission).

Allele frequency attached by ClinVar (database versions not stated): 1000 Genomes Project 0.00080; TOPMed 0.00176; gnomAD 0.00348 and 0.00368; gnomAD exomes 0.00366.

Submission:

CeGaT Center for Human Genetics Tuebingen
Classification: Likely benign. Last evaluated: 2023-05-01. Review status: criteria provided, single submitter. Criteria: CeGaT Center For Human Genetics Tuebingen Variant Classification Criteria Version 2. Collection method: clinical testing. Allele origin: germline. Affected: yes. Observed: 5 variant alleles.
Comment: SLC1A3: BS2